The following is an entry in ClinVar:

ClinVar aggregate classification (germline): Likely benign. Review status: criteria provided, multiple submitters, no conflicts (2 of 4 stars). 2 submissions from 2 submitters: Likely benign (2). Last evaluated 2026-09-01.

Allele frequency attached by ClinVar (database versions not stated): 1000 Genomes Project 0.00060; 1000 Genomes Project 30x 0.00078; TOPMed 0.00335; gnomAD 0.00512 and 0.00530; gnomAD exomes 0.00659.
gnomAD v4.1: 2,351 of 398,634 alleles (0.59%); highest among the groups gnomAD compares: Non-Finnish European, 0.77%; 15 homozygotes.

Submissions (2):

CeGaT Center for Human Genetics Tuebingen
Classification: Likely benign. Last evaluated: 2026-09-01. Review status: criteria provided, single submitter. Criteria: CeGaT Center For Human Genetics Tuebingen Variant Classification Criteria Version 2. Collection method: clinical testing. Allele origin: germline. Affected: yes. Observed: 107 variant alleles.
Comment: KCNQ1: BS2; KCNQ1OT1: BS2

Blueprint Genetics
Classification: Likely benign. Last evaluated: 2024-11-26. Review status: criteria provided, single submitter. Criteria: ACMG Guidelines, 2015. Collection method: clinical testing. Allele origin: germline.

NM_000218.3(KCNQ1):c.1514+4974G>A

Genes: KCNQ1 (potassium voltage-gated channel subfamily Q member 1; plus strand), KCNQ1OT1 (KCNQ1 opposite strand/antisense transcript 1; minus strand). Cytogenetic location: 11p15.5.
Variant type: single nucleotide variant.
Coding change: c.1514+4974G>A on transcript NM_000218.3 (MANE Select); 4974 bases into the intron after coding-DNA position 1514, G replaced by A.
Molecular consequence: intron variant.
Genome position (GRCh38, 1-based): chr11:2,667,055, G>A. VCF-style: chr11-2667055-G-A. GRCh37 (hg19) VCF-style: chr11-2688285-G-A.
Other names: c.1244+4974G>A (NM_001406837.1); c.1418+4974G>A (NM_001406836.1); c.974+4974G>A (NM_001406838.1); c.1133+4974G>A (NM_181798.2).
Identifiers: ClinVar variation 304228 (VCV000304228.39), dbSNP rs188083723, ClinGen allele CA10630691.